The following is an entry in ClinVar:

ClinVar aggregate classification (germline): Uncertain significance. Review status: criteria provided, multiple submitters, no conflicts (2 of 4 stars). 3 submissions from 3 submitters: Uncertain significance (3). Last evaluated 2024-05-18.

Allele frequency attached by ClinVar (database versions not stated): gnomAD exomes below 0.00001; TOPMed below 0.00001; ExAC 0.00001.
gnomAD v4.1: 22 of 1,612,704 alleles (0.0014%); highest among the groups gnomAD compares: South Asian, 0.0033%; no homozygotes.

Submissions (3):

Labcorp Genetics (formerly Invitae), Labcorp
Classification: Uncertain significance. Last evaluated: 2024-05-18. Review status: criteria provided, single submitter. Criteria: Invitae Variant Classification Sherloc (09022015). Collection method: clinical testing. Allele origin: germline.
Comment: This sequence change replaces arginine, which is basic and polar, with histidine, which is basic and polar, at codon 882 of the EMC1 protein (p.Arg882His). This variant is present in population databases (rs777711850, gnomAD 0.0009%). This variant has not been reported in the literature in individuals affected with EMC1-related conditions. ClinVar contains an entry for this variant (Variation ID: 960867). Advanced modeling of protein sequence and biophysical properties (such as structural, functional, and spatial information, amino acid conservation, physicochemical variation, residue mobility, and thermodynamic stability) performed at Invitae indicates that this missense variant is expected to disrupt EMC1 protein function with a positive predictive value of 80%. In summary, the available evidence is currently insufficient to determine the role of this variant in disease. Therefore, it has been classified as a Variant of Uncertain Significance.

GeneDx
Classification: Uncertain significance. Last evaluated: 2022-06-07. Review status: criteria provided, single submitter. Criteria: GeneDx Variant Classification Process June 2021. Collection method: clinical testing. Allele origin: germline. Affected: yes.
Comment: Not observed at significant frequency in large population cohorts (gnomAD); In silico analysis supports that this missense variant has a deleterious effect on protein structure/function; Has not been previously published as pathogenic or benign to our knowledge

Blueprint Genetics
Classification: Uncertain significance. Last evaluated: 2019-06-26. Review status: criteria provided, single submitter. Criteria: ACMG Guidelines, 2015. Collection method: clinical testing. Allele origin: germline.

NM_015047.3(EMC1):c.2645G>A (p.Arg882His)

Genes: EMC1 (ER membrane protein complex subunit 1; minus strand), EMC1-AS1 (EMC1 antisense RNA 1; plus strand). Cytogenetic location: 1p36.13.
Variant type: single nucleotide variant.
Coding change: c.2645G>A on transcript NM_015047.3 (MANE Select); coding-DNA position 2645, G replaced by A.
Protein change: p.Arg882His; replaces arginine 882 with histidine.
Molecular consequence: missense variant.
Genome position (GRCh38, 1-based): chr1:19,220,791, C>T on the plus strand (G>A on the coding strand, the complement: EMC1 is on the minus strand). VCF-style: chr1-19220791-C-T. GRCh37 (hg19) VCF-style: chr1-19547285-C-T.
Other names: c.2642G>A, p.Arg881His (NM_001271427.2, NM_001271428.2); c.2579G>A, p.Arg860His (NM_001271429.2); c.2654G>A, p.Arg885His (NM_001375820.1); c.2651G>A, p.Arg884His (NM_001375821.1); short protein forms R860H, R884H, R885H, R882H, R881H.
Identifiers: ClinVar variation 960867 (VCV000960867.11), dbSNP rs777711850, ClinGen allele CA652200.